The following is an entry in ClinVar:

ClinVar aggregate classification (germline): Uncertain significance (1 of 4 stars; one submission).

Conditions:
Fanconi anemia (FA). Also called: Fanconi's anemia. Identifiers: Orphanet 84, MedGen C0015625, MeSH D005199, MONDO:0019391.

Submission:

Labcorp Genetics (formerly Invitae), Labcorp
Classification: Uncertain significance for Fanconi anemia. Last evaluated: 2025-05-29. Review status: criteria provided, single submitter. Criteria: Invitae Variant Classification Sherloc (09022015). Collection method: clinical testing. Allele origin: germline.
Comment: This sequence change replaces isoleucine, which is neutral and non-polar, with methionine, which is neutral and non-polar, at codon 121 of the FANCC protein (p.Ile121Met). This variant is not present in population databases (gnomAD no frequency). This variant has not been reported in the literature in individuals affected with FANCC-related conditions. Invitae Evidence Modeling of protein sequence and biophysical properties (such as structural, functional, and spatial information, amino acid conservation, physicochemical variation, residue mobility, and thermodynamic stability) indicates that this missense variant is not expected to disrupt FANCC protein function with a negative predictive value of 80%. In summary, the available evidence is currently insufficient to determine the role of this variant in disease. Therefore, it has been classified as a Variant of Uncertain Significance.

NM_000136.3(FANCC):c.363A>G (p.Ile121Met)

Gene: FANCC (FA complementation group C; minus strand). Cytogenetic location: 9q22.32.
Variant type: single nucleotide variant.
Coding change: c.363A>G on transcript NM_000136.3 (MANE Select); coding-DNA position 363, A replaced by G.
Protein change: p.Ile121Met; replaces isoleucine 121 with methionine.
Molecular consequence: missense variant.
Genome position (GRCh38, 1-based): chr9:95,172,130, T>C on the plus strand (A>G on the coding strand, the complement: FANCC is on the minus strand). VCF-style: chr9-95172130-T-C. GRCh37 (hg19) VCF-style: chr9-97934412-T-C.
Other names: c.363A>G, p.Ile121Met (NM_001243743.2, NM_001243744.2); short protein forms I121M.
Identifiers: ClinVar variation 4694514 (VCV004694514.1).